The following is an entry in ClinVar:

NM_001042750.2(STAG2):c.551G>A (p.Arg184Gln)

Gene: STAG2 (STAG2 cohesin complex component; plus strand). Cytogenetic location: Xq25.
Variant type: single nucleotide variant.
Coding change: c.551G>A on transcript NM_001042750.2 (MANE Select); coding-DNA position 551, G replaced by A.
Protein change: p.Arg184Gln; replaces arginine 184 with glutamine.
Molecular consequence: missense variant.
Genome position (GRCh38, 1-based): chrX:124,045,252, G>A. VCF-style: chrX-124045252-G-A. GRCh37 (hg19) VCF-style: chrX-123179102-G-A.
Other names: c.551G>A, p.Arg184Gln (NM_001042749.2, NM_001042751.2, NM_001282418.2 and 13 more transcripts); short protein forms R184Q.
Identifiers: ClinVar variation 1321129 (VCV001321129.2), dbSNP rs1239781217, ClinGen allele CA414274598.

ClinVar aggregate classification (germline): Uncertain significance (1 of 4 stars; one submission).

Allele frequency attached by ClinVar (database versions not stated): gnomAD exomes below 0.00001 and 0.00001.
gnomAD v4.1: 3 of 1,209,684 alleles (0.00025%); highest among the groups gnomAD compares: Non-Finnish European, 0.00022%; no homozygotes.

Submission:

GeneDx
Classification: Uncertain significance. Last evaluated: 2019-06-05. Review status: criteria provided, single submitter. Criteria: GeneDx Variant Classification Process June 2021. Collection method: clinical testing. Allele origin: germline. Affected: yes.
Comment: Not observed at a significant frequency in large population cohorts (Lek et al., 2016); In silico analysis, which includes protein predictors and evolutionary conservation, supports a deleterious effect; Has not been previously published as pathogenic or benign to our knowledge